The following is an entry in ClinVar:

NM_001042492.3(NF1):c.1908del (p.Ser637fs)

Gene: NF1 (neurofibromin 1; plus strand). Cytogenetic location: 17q11.2.
Variant type: Deletion.
Coding change: c.1908del on transcript NM_001042492.3 (MANE Select); coding-DNA position 1908, one base deleted (T; older notation c.1908delT).
Protein change: p.Ser637fs; shifts the reading frame from serine 637.
Molecular consequence: frameshift variant.
Genome position (GRCh38, 1-based): chr17:31,225,157, T deleted. VCF-style (leftmost placement, unchanged base first): chr17-31225156-CT-C. GRCh37 (hg19) VCF-style: chr17-29552174-CT-C.
Other names: c.1908delT, p.Ser637Valfs (NM_000267.4); short protein forms S637fs.
Identifiers: ClinVar variation 1069510 (VCV001069510.10), dbSNP rs2144026600, ClinGen allele CA2499224036.

ClinVar aggregate classification (germline): Pathogenic. Review status: criteria provided, multiple submitters, no conflicts (2 of 4 stars). 4 submissions from 4 submitters: Pathogenic (4). Last evaluated 2025-04-17.

Conditions:
Neurofibromatosis, type 1 (NF1). Also called: Neurofibromatosis, type I; VON RECKLINGHAUSEN DISEASE; NEUROFIBROMATOSIS, TYPE I, SOMATIC; Peripheral type neurofibromatosis. Identifiers: Orphanet 636, MedGen C0027831, MONDO:0018975, OMIM 162200. Disease mechanism: loss of function.

Submissions (4):

GeneDx
Classification: Pathogenic. Last evaluated: 2025-04-17. Review status: criteria provided, single submitter. Criteria: GeneDx Variant Classification Process June 2021. Collection method: clinical testing. Allele origin: germline. Affected: yes.
Comment: Frameshift variant predicted to result in protein truncation or nonsense mediated decay in a gene for which loss of function is a known mechanism of disease; Not observed at significant frequency in large population cohorts (gnomAD); This variant is associated with the following publications: (PMID: 31776437, 24789688)

Labcorp Genetics (formerly Invitae), Labcorp
Classification: Pathogenic for Neurofibromatosis, type 1. Last evaluated: 2024-10-28. Review status: criteria provided, single submitter. Criteria: Invitae Variant Classification Sherloc (09022015). Collection method: clinical testing. Allele origin: germline.
Comment: This sequence change creates a premature translational stop signal (p.Ser637Valfs*51) in the NF1 gene. It is expected to result in an absent or disrupted protein product. Loss-of-function variants in NF1 are known to be pathogenic (PMID: 10712197, 23913538). This variant is not present in population databases (gnomAD no frequency). This premature translational stop signal has been observed in individual(s) with a clinical diagnosis or suspicion of neurofibromatosis type 1 (PMID: 24789688). ClinVar contains an entry for this variant (Variation ID: 1069510). For these reasons, this variant has been classified as Pathogenic.

Genome-Nilou Lab
Classification: Pathogenic for Neurofibromatosis, type 1. Last evaluated: 2022-03-15. Review status: criteria provided, single submitter. Criteria: ACMG Guidelines, 2015. Collection method: clinical testing. Allele origin: germline. Affected: no.

Dasa
Classification: Pathogenic for Neurofibromatosis, type 1. Last evaluated: 2022-02-14. Review status: criteria provided, single submitter. Criteria: ACMG Guidelines, 2015. Collection method: clinical testing. Allele origin: germline. Affected: yes. Observed: 1 variant allele.
Comment: The c.1908del;p.(Ser637Valfs*51) is a null frameshift variant in the NF1 gene and predicts alteration of the nonsense-mediate decay - NMD is present in a relevant exon to the transcript - PVS1. This sequence change has been observed in affected individual(s) (PMID: 24789688) - PS4. This variant is not present in population databases (gnomAD; ABraOM no frequency) - PM2. In summary, the currently available evidence indicates that the variant is pathogenic.

Literature cited by the submitters: PubMed 10712197 (cited by Labcorp Genetics (formerly Invitae), Labcorp); PubMed 23913538 (cited by Labcorp Genetics (formerly Invitae), Labcorp); PubMed 24789688 (cited by Labcorp Genetics (formerly Invitae), Labcorp and Dasa).